The following is an entry in ClinVar:

NM_006904.7(PRKDC):c.11122A>G (p.Arg3708Gly)

Gene: PRKDC (protein kinase, DNA-activated, catalytic subunit; minus strand). Cytogenetic location: 8q11.21.
Variant type: single nucleotide variant.
Coding change: c.11122A>G on transcript NM_006904.7 (MANE Select); coding-DNA position 11122, A replaced by G.
Protein change: p.Arg3708Gly; replaces arginine 3708 with glycine.
Molecular consequence: missense variant.
Genome position (GRCh38, 1-based): chr8:47,783,795, T>C on the plus strand (A>G on the coding strand, the complement: PRKDC is on the minus strand). VCF-style: chr8-47783795-T-C. GRCh37 (hg19) VCF-style: chr8-48696356-T-C.
Other names: c.11122A>G, p.Arg3708Gly (NM_001081640.2); short protein forms R3708G.
Identifiers: ClinVar variation 1060204 (VCV001060204.5), dbSNP rs2154497573, ClinGen allele CA371130767.

ClinVar aggregate classification (germline): Uncertain significance (1 of 4 stars; one submission).

Conditions:
Severe combined immunodeficiency due to DNA-PKcs deficiency. Also called: IMMUNODEFICIENCY 26 WITH NEUROLOGIC ABNORMALITIES; Immunodeficiency 26 with or without neurologic abnormalities. Identifiers: Orphanet 317425, MedGen C4014833, MONDO:0014423, OMIM 615966.

Submission:

Labcorp Genetics (formerly Invitae), Labcorp
Classification: Uncertain significance for Severe combined immunodeficiency due to DNA-PKcs deficiency. Last evaluated: 2022-02-09. Review status: criteria provided, single submitter. Criteria: Invitae Variant Classification Sherloc (09022015). Collection method: clinical testing. Allele origin: germline.
Comment: This variant is not present in population databases (gnomAD no frequency). In summary, the available evidence is currently insufficient to determine the role of this variant in disease. Therefore, it has been classified as a Variant of Uncertain Significance. Experimental studies and prediction algorithms are not available or were not evaluated, and the functional significance of this variant is currently unknown. ClinVar contains an entry for this variant (Variation ID: 1060204). This variant has not been reported in the literature in individuals affected with PRKDC-related conditions. This sequence change replaces arginine, which is basic and polar, with glycine, which is neutral and non-polar, at codon 3708 of the PRKDC protein (p.Arg3708Gly).